The following is an entry in ClinVar:

NM_002691.4(POLD1):c.1353G>A (p.Met451Ile)

Gene: POLD1 (DNA polymerase delta 1, catalytic subunit; plus strand). Cytogenetic location: 19q13.33.
Variant type: single nucleotide variant.
Coding change: c.1353G>A on transcript NM_002691.4 (MANE Select); coding-DNA position 1353, G replaced by A.
Protein change: p.Met451Ile; replaces methionine 451 with isoleucine.
Molecular consequence: missense variant. On other transcripts: non-coding transcript variant (1).
Genome position (GRCh38, 1-based): chr19:50,406,292, G>A. VCF-style: chr19-50406292-G-A. GRCh37 (hg19) VCF-style: chr19-50909549-G-A.
Other names: c.1353G>A, p.Met451Ile (NM_001256849.1, NM_001308632.1); c.1353G>A (NM_002691.2); short protein forms M451I.
Identifiers: ClinVar variation 2719406 (VCV002719406.4), dbSNP rs2122320785, ClinGen allele CA406979933.

ClinVar aggregate classification (germline): Uncertain significance. Review status: criteria provided, multiple submitters, no conflicts (2 of 4 stars). 2 submissions from 2 submitters: Uncertain significance (2). Last evaluated 2023-10-06.

Conditions:
Hereditary cancer-predisposing syndrome. Also called: Tumor predisposition; Hereditary Cancer Syndrome; Hereditary neoplastic syndrome; Neoplastic Syndromes, Hereditary. Identifiers: Orphanet 140162, MedGen C0027672, MeSH D009386, MONDO:0015356.
POLD1-related polyposis and colorectal cancer syndrome (CRCS10). Also called: Colorectal cancer 10; Colorectal cancer, susceptibility to, 10; COLORECTAL CANCER, SUSCEPTIBILITY TO, ON CHROMOSOME 19q. Identifiers: Orphanet 220460, MedGen C2675481, MONDO:0012953, OMIM 612591.

Allele frequency attached by ClinVar (database versions not stated): gnomAD exomes below 0.00001.
gnomAD v4.1: 3 of 1,614,022 alleles (0.00019%); highest among the groups gnomAD compares: Non-Finnish European, 0.00025%; no homozygotes.

Submissions (2):

Ambry Genetics
Classification: Uncertain significance for Hereditary cancer-predisposing syndrome. Last evaluated: 2023-10-06. Review status: criteria provided, single submitter. Criteria: Ambry Variant Classification Scheme 2023. Collection method: clinical testing. Allele origin: germline.
Comment: The p.M451I variant (also known as c.1353G>A), located in coding exon 10 of the POLD1 gene, results from a G to A substitution at nucleotide position 1353. The methionine at codon 451 is replaced by isoleucine, an amino acid with highly similar properties. This amino acid position is well conserved in available vertebrate species. In addition, this alteration is predicted to be tolerated by in silico analysis. Since supporting evidence is limited at this time, the clinical significance of this alteration remains unclear.

Labcorp Genetics (formerly Invitae), Labcorp
Classification: Uncertain significance for POLD1-related polyposis and colorectal cancer syndrome. Last evaluated: 2023-05-25. Review status: criteria provided, single submitter. Criteria: Invitae Variant Classification Sherloc (09022015). Collection method: clinical testing. Allele origin: germline.
Comment: In summary, the available evidence is currently insufficient to determine the role of this variant in disease. Therefore, it has been classified as a Variant of Uncertain Significance. Advanced modeling of protein sequence and biophysical properties (such as structural, functional, and spatial information, amino acid conservation, physicochemical variation, residue mobility, and thermodynamic stability) performed at Invitae indicates that this missense variant is not expected to disrupt POLD1 protein function. This variant has not been reported in the literature in individuals affected with POLD1-related conditions. This variant is not present in population databases (gnomAD no frequency). This sequence change replaces methionine, which is neutral and non-polar, with isoleucine, which is neutral and non-polar, at codon 451 of the POLD1 protein (p.Met451Ile).